The following is an entry in ClinVar:

NM_015158.5(KANK1):c.2485C>T (p.Arg829Cys)

Gene: KANK1 (KN motif and ankyrin repeat domains 1; plus strand). Cytogenetic location: 9p24.3.
Variant type: single nucleotide variant.
Coding change: c.2485C>T on transcript NM_015158.5 (MANE Select); coding-DNA position 2485, C replaced by T.
Protein change: p.Arg829Cys; replaces arginine 829 with cysteine.
Molecular consequence: missense variant. On other transcripts: non-coding transcript variant (1).
Genome position (GRCh38, 1-based): chr9:713,251, C>T. VCF-style: chr9-713251-C-T. GRCh37 (hg19) VCF-style: chr9-713251-C-T.
Other names: c.2485C>T, p.Arg829Cys (NM_001256876.3, NM_001256877.3, NM_001354331.2 and 2 more transcripts); c.2011C>T, p.Arg671Cys (NM_001354333.2, NM_001354335.2, NM_001354336.2 and 9 more transcripts); c.2485C>T (NM_015158.2); short protein forms R829C, R671C.
Identifiers: ClinVar variation 2869496 (VCV002869496.4), dbSNP rs758242164, ClinGen allele CA4960520.
Genomic context (GRCh38, chr9:713,251, plus strand): 5'-GAGAACCCCCAGCCTCAAGCTCCACTTGGAATGATGACTGGCCTGGATCACTACATTGAG[C>T]GTATCCAGAAGCTGCTGGCAGAACAGCAGACACTGCTGGCTGAGAACTACAGTGAACTGG-3'
Protein context (NP_055973.2, residues 819-839): MMTGLDHYIE[Arg829Cys]IQKLLAEQQT

ClinVar aggregate classification (germline): Conflicting classifications of pathogenicity. Review status: criteria provided, conflicting classifications (1 of 4 stars). 2 submissions from 2 submitters: Uncertain significance (1); Likely benign (1). Last evaluated 2025-02-06.

Allele frequency attached by ClinVar (database versions not stated): gnomAD exomes 0.00001; ExAC 0.00003.
gnomAD v4.1: 10 of 1,609,386 alleles (0.00062%); highest among the groups gnomAD compares: Admixed American, 0.0067%; no homozygotes.

Submissions (2):

Ambry Genetics
Classification: Likely benign. Last evaluated: 2025-02-06. Review status: criteria provided, single submitter. Criteria: Ambry Variant Classification Scheme 2023. Collection method: clinical testing. Allele origin: germline.

Labcorp Genetics (formerly Invitae), Labcorp
Classification: Uncertain significance. Last evaluated: 2024-08-05. Review status: criteria provided, single submitter. Criteria: Invitae Variant Classification Sherloc (09022015). Collection method: clinical testing. Allele origin: germline.
Comment: This sequence change replaces arginine, which is basic and polar, with cysteine, which is neutral and slightly polar, at codon 829 of the KANK1 protein (p.Arg829Cys). This variant is present in population databases (rs758242164, gnomAD 0.01%). This variant has not been reported in the literature in individuals affected with KANK1-related conditions. Advanced modeling of protein sequence and biophysical properties (such as structural, functional, and spatial information, amino acid conservation, physicochemical variation, residue mobility, and thermodynamic stability) has been performed at Invitae for this missense variant, however the output from this modeling did not meet the statistical confidence thresholds required to predict the impact of this variant on KANK1 protein function. In summary, the available evidence is currently insufficient to determine the role of this variant in disease. Therefore, it has been classified as a Variant of Uncertain Significance.